The following is an entry in ClinVar:

ClinVar aggregate classification (germline): Pathogenic. Review status: criteria provided, multiple submitters, no conflicts (2 of 4 stars). 5 submissions from 5 submitters: Pathogenic (4). 1 of the submissions does not count toward it. Last evaluated 2025-07-01.

Conditions:
Tuberous sclerosis syndrome (TSC). Also called: Tuberous Sclerosis Complex; Tuberous sclerosis. Identifiers: Orphanet 805, MedGen C0041341, MONDO:0001734.
Tuberous sclerosis 1 (TSC1). Identifiers: Orphanet 805, MedGen C1854465, MONDO:0008612, OMIM 191100.

Submissions (5):

CeGaT Center for Human Genetics Tuebingen
Classification: Pathogenic. Last evaluated: 2025-07-01. Review status: criteria provided, single submitter. Criteria: CeGaT Center For Human Genetics Tuebingen Variant Classification Criteria Version 2. Collection method: clinical testing. Allele origin: germline. Affected: yes. Observed: 1 variant allele.
Comment: TSC1: PVS1, PS2, PM2

Genome-Nilou Lab
Classification: Pathogenic for Tuberous sclerosis 1. Last evaluated: 2021-11-07. Review status: criteria provided, single submitter. Criteria: ACMG Guidelines, 2015. Collection method: clinical testing. Allele origin: germline. Affected: no.

GeneDx
Classification: Pathogenic. Last evaluated: 2016-02-10. Review status: criteria provided, single submitter. Criteria: GeneDx Variant Classification (06012015). Collection method: clinical testing. Allele origin: germline. Affected: yes.
Comment: The Q325X nonsense variant in the TSC1 gene has been reported previously in association with tuberous sclerosis complex (Au et al., 2007; TSC1 LOVD). It was not observed in approximately 6,500 individuals of European and African American ancestry in the NHLBI Exome Sequencing Project, indicating it is not a common benign variant in these populations. This pathogenic variant is predicted to cause loss of normal protein function either through protein truncation or nonsense-mediated mRNA decay.

Athena Diagnostics
Classification: Pathogenic for Tuberous sclerosis 1. Last evaluated: 2013-03-01. Review status: criteria provided, single submitter. Criteria: Athena Diagnostics Criteria. Collection method: clinical testing. Allele origin: germline. Inheritance: Autosomal dominant inheritance.

Tuberous sclerosis database (TSC1)
No classification provided. Condition: TSC. Review status: no classification provided. Criteria: Tuberous Sclerosis Database Assertion Criteria 2015. Collection method: curation. Allele origin: germline. Affected: yes. Not counted in ClinVar's aggregate classification.

Literature cited by the submitters: PubMed 17304050 (cited by Athena Diagnostics).

NM_000368.5(TSC1):c.973C>T (p.Gln325Ter)

Gene: TSC1 (TSC complex subunit 1; minus strand). Cytogenetic location: 9q34.13.
Variant type: single nucleotide variant.
Coding change: c.973C>T on transcript NM_000368.5 (MANE Select); coding-DNA position 973, C replaced by T.
Protein change: p.Gln325Ter; replaces glutamine 325 with a stop codon.
Molecular consequence: nonsense.
Genome position (GRCh38, 1-based): chr9:132,911,509, G>A on the plus strand (C>T on the coding strand, the complement: TSC1 is on the minus strand). VCF-style: chr9-132911509-G-A. GRCh37 (hg19) VCF-style: chr9-135786896-G-A.
Other names: c.973C>T, p.Gln325Ter (NM_001162426.2); c.820C>T, p.Gln274Ter (NM_001162427.2); c.610C>T, p.Gln204Ter (NM_001362177.2); short protein forms Q325*, Q204*, Q274*.
Identifiers: ClinVar variation 49130 (VCV000049130.13), dbSNP rs118203474, ClinGen allele CA008473.